The following is an entry in ClinVar:

ClinVar aggregate classification (germline): Uncertain significance (1 of 4 stars; one submission).

Allele frequency attached by ClinVar (database versions not stated): gnomAD exomes below 0.00001; TOPMed 0.00001; ExAC 0.00002.
gnomAD v4.1: 2 of 1,613,624 alleles (0.00012%); highest among the groups gnomAD compares: Admixed American, 0.0017%; no homozygotes.

Submission:

Labcorp Genetics (formerly Invitae), Labcorp
Classification: Uncertain significance. Last evaluated: 2024-07-15. Review status: criteria provided, single submitter. Criteria: Invitae Variant Classification Sherloc (09022015). Collection method: clinical testing. Allele origin: germline.
Comment: This sequence change replaces arginine, which is basic and polar, with glutamine, which is neutral and polar, at codon 1921 of the SON protein (p.Arg1921Gln). This variant is present in population databases (rs774404358, gnomAD 0.003%). This variant has not been reported in the literature in individuals affected with SON-related conditions. ClinVar contains an entry for this variant (Variation ID: 1939691). Experimental studies and prediction algorithms are not available or were not evaluated, and the functional significance of this variant is currently unknown. In summary, the available evidence is currently insufficient to determine the role of this variant in disease. Therefore, it has been classified as a Variant of Uncertain Significance.

NM_138927.4(SON):c.5762G>A (p.Arg1921Gln)

Gene: SON (SON DNA and RNA binding protein; plus strand). Cytogenetic location: 21q22.11.
Variant type: single nucleotide variant.
Coding change: c.5762G>A on transcript NM_138927.4 (MANE Select); coding-DNA position 5762, G replaced by A.
Protein change: p.Arg1921Gln; replaces arginine 1921 with glutamine.
Molecular consequence: missense variant. On other transcripts: non-coding transcript variant (1), intron variant (1).
Genome position (GRCh38, 1-based): chr21:33,554,993, G>A. VCF-style: chr21-33554993-G-A. GRCh37 (hg19) VCF-style: chr21-34927299-G-A.
Other names: c.5762G>A, p.Arg1921Gln (NM_001291411.2, NM_001412133.1, NM_032195.3 and 2 more transcripts); c.245-2163G>A (NM_001291412.3); short protein forms R1921Q.
Identifiers: ClinVar variation 1939691 (VCV001939691.5), dbSNP rs774404358, ClinGen allele CA10009794.